The following is an entry in ClinVar:

ClinVar aggregate classification (germline): Uncertain significance (1 of 4 stars; one submission).

Allele frequency attached by ClinVar (database versions not stated): TOPMed below 0.00001; ExAC 0.00001; gnomAD exomes 0.00001.
gnomAD v4.1: 7 of 1,612,514 alleles (0.00043%); highest among the groups gnomAD compares: Admixed American, 0.0017%; no homozygotes.

Submission:

Labcorp Genetics (formerly Invitae), Labcorp
Classification: Uncertain significance. Last evaluated: 2024-11-13. Review status: criteria provided, single submitter. Criteria: Invitae Variant Classification Sherloc (09022015). Collection method: clinical testing. Allele origin: germline.
Comment: This sequence change replaces alanine, which is neutral and non-polar, with valine, which is neutral and non-polar, at codon 485 of the LRRC8A protein (p.Ala485Val). This variant is present in population databases (rs749079625, gnomAD 0.003%). This variant has not been reported in the literature in individuals affected with LRRC8A-related conditions. ClinVar contains an entry for this variant (Variation ID: 2722744). An algorithm developed to predict the effect of missense changes on protein structure and function (PolyPhen-2) suggests that this variant is likely to be tolerated. In summary, the available evidence is currently insufficient to determine the role of this variant in disease. Therefore, it has been classified as a Variant of Uncertain Significance.

NM_019594.4(LRRC8A):c.1454C>T (p.Ala485Val)

Gene: LRRC8A (leucine rich repeat containing 8 VRAC subunit A; plus strand). Cytogenetic location: 9q34.11.
Variant type: single nucleotide variant.
Coding change: c.1454C>T on transcript NM_019594.4 (MANE Select); coding-DNA position 1454, C replaced by T.
Protein change: p.Ala485Val; replaces alanine 485 with valine.
Molecular consequence: missense variant.
Genome position (GRCh38, 1-based): chr9:128,908,618, C>T. VCF-style: chr9-128908618-C-T. GRCh37 (hg19) VCF-style: chr9-131670897-C-T.
Other names: c.1454C>T, p.Ala485Val (NM_001127244.2, NM_001127245.2); short protein forms A485V.
Identifiers: ClinVar variation 2722744 (VCV002722744.3), dbSNP rs749079625, ClinGen allele CA5270880.